The following is an entry in ClinVar:

ClinVar aggregate classification (germline): Likely benign. Review status: criteria provided, single submitter (1 of 4 stars). 2 submissions from 2 submitters: Likely benign (1). 1 of the submissions does not count toward it. Last evaluated 2025-02-23.

Conditions:
Kleefstra syndrome 1 (KLEFS1). Identifiers: Orphanet 261494, MedGen C0795833, MONDO:0027407, OMIM 610253.
EHMT1-related disorder. Also called: EHMT1-related condition.

Submissions (2):

Labcorp Genetics (formerly Invitae), Labcorp
Classification: Likely benign for Kleefstra syndrome 1. Last evaluated: 2025-02-23. Review status: criteria provided, single submitter. Criteria: Invitae Variant Classification Sherloc (09022015). Collection method: clinical testing. Allele origin: germline.

PreventionGenetics, part of Exact Sciences
Classification: Likely benign for EHMT1-related condition. Last evaluated: 2024-08-10. Review status: no assertion criteria provided. Collection method: clinical testing. Allele origin: germline. Not counted in ClinVar's aggregate classification.
Comment: This variant is classified as likely benign based on ACMG/AMP sequence variant interpretation guidelines (Richards et al. 2015 PMID: 25741868, with internal and published modifications).

NM_024757.5(EHMT1):c.3339G>A (p.Arg1113=)

Gene: EHMT1 (euchromatic histone lysine methyltransferase 1; plus strand). Cytogenetic location: 9q34.3.
Variant type: single nucleotide variant.
Coding change: c.3339G>A on transcript NM_024757.5 (MANE Select); coding-DNA position 3339, G replaced by A.
Protein change: p.Arg1113=; no amino-acid change (arginine 1113 retained).
Molecular consequence: synonymous variant.
Genome position (GRCh38, 1-based): chr9:137,816,027, G>A. VCF-style: chr9-137816027-G-A. GRCh37 (hg19) VCF-style: chr9-140710479-G-A.
Other names: c.3318G>A, p.Arg1106= (NM_001354263.2).
Identifiers: ClinVar variation 3344471 (VCV003344471.2).